The following is an entry in ClinVar:

NM_003738.5(PTCH2):c.2086C>T (p.Leu696Phe)

Gene: PTCH2 (patched 2; minus strand). Cytogenetic location: 1p34.1.
Variant type: single nucleotide variant.
Coding change: c.2086C>T on transcript NM_003738.5 (MANE Select); coding-DNA position 2086, C replaced by T.
Protein change: p.Leu696Phe; replaces leucine 696 with phenylalanine.
Molecular consequence: missense variant.
Genome position (GRCh38, 1-based): chr1:44,827,687, G>A on the plus strand (C>T on the coding strand, the complement: PTCH2 is on the minus strand). VCF-style: chr1-44827687-G-A. GRCh37 (hg19) VCF-style: chr1-45293359-G-A.
Other names: c.2086C>T, p.Leu696Phe (NM_001166292.2); c.2086C>T (NM_003738.4); short protein forms L696F.
Identifiers: ClinVar variation 1020613 (VCV001020613.11), dbSNP rs765469465, ClinGen allele CA823102.

ClinVar aggregate classification (germline): Uncertain significance. Review status: criteria provided, multiple submitters, no conflicts (2 of 4 stars). 3 submissions from 3 submitters: Uncertain significance (3). Last evaluated 2025-04-18.

Conditions:
Gorlin syndrome. Also called: Nevoid Basal Cell Carcinoma Syndrome; Basal cell nevus syndrome. Identifiers: Orphanet 377, MedGen C0004779, MONDO:0007187.

Allele frequency attached by ClinVar (database versions not stated): ExAC 0.00001; gnomAD 0.00001; TOPMed 0.00002; gnomAD exomes 0.00003.
gnomAD v4.1: 9 of 1,611,526 alleles (0.00056%); highest among the groups gnomAD compares: Admixed American, 0.015%; no homozygotes.

Submissions (3):

Ambry Genetics
Classification: Uncertain significance. Last evaluated: 2025-04-18. Review status: criteria provided, single submitter. Criteria: Ambry Variant Classification Scheme 2023. Collection method: clinical testing. Allele origin: germline.

Women's Health and Genetics/Laboratory Corporation of America, LabCorp
Classification: Uncertain significance. Last evaluated: 2025-02-25. Review status: criteria provided, single submitter. Criteria: LabCorp Variant Classification Summary - May 2015. Collection method: clinical testing. Allele origin: germline.
Comment: Variant summary: PTCH2 c.2086C>T (p.Leu696Phe) results in a non-conservative amino acid change in the encoded protein sequence. Five of five in-silico tools predict a damaging effect of the variant on protein function. The variant allele was found at a frequency of 2.8e-05 in 245722 control chromosomes. The available data on variant occurrences in the general population are insufficient to allow any conclusion about variant significance. To our knowledge, no occurrence of c.2086C>T in individuals affected with Susceptibility To Basal Cell Carcinoma 1 and no experimental evidence demonstrating its impact on protein function have been reported. ClinVar contains an entry for this variant (Variation ID: 1020613). Based on the evidence outlined above, the variant was classified as uncertain significance.

Labcorp Genetics (formerly Invitae), Labcorp
Classification: Uncertain significance for Gorlin syndrome. Last evaluated: 2023-07-25. Review status: criteria provided, single submitter. Criteria: Invitae Variant Classification Sherloc (09022015). Collection method: clinical testing. Allele origin: germline.
Comment: This variant is present in population databases (rs765469465, gnomAD 0.02%). This sequence change replaces leucine, which is neutral and non-polar, with phenylalanine, which is neutral and non-polar, at codon 696 of the PTCH2 protein (p.Leu696Phe). In summary, the available evidence is currently insufficient to determine the role of this variant in disease. Therefore, it has been classified as a Variant of Uncertain Significance. Advanced modeling of protein sequence and biophysical properties (such as structural, functional, and spatial information, amino acid conservation, physicochemical variation, residue mobility, and thermodynamic stability) performed at Invitae indicates that this missense variant is not expected to disrupt PTCH2 protein function. ClinVar contains an entry for this variant (Variation ID: 1020613). This variant has not been reported in the literature in individuals affected with PTCH2-related conditions.